The following is an entry in ClinVar:

ClinVar aggregate classification (germline): Uncertain significance (1 of 4 stars; one submission).

Submission:

Labcorp Genetics (formerly Invitae), Labcorp
Classification: Uncertain significance. Last evaluated: 2023-05-22. Review status: criteria provided, single submitter. Criteria: Invitae Variant Classification Sherloc (09022015). Collection method: clinical testing. Allele origin: germline.
Comment: This variant has not been reported in the literature in individuals affected with MTOR-related conditions. This sequence change falls in intron 44 of the MTOR gene. It does not directly change the encoded amino acid sequence of the MTOR protein. This variant is not present in population databases (gnomAD no frequency). Algorithms developed to predict the effect of sequence changes on RNA splicing suggest that this variant may create or strengthen a splice site. In summary, the available evidence is currently insufficient to determine the role of this variant in disease. Therefore, it has been classified as a Variant of Uncertain Significance.

NM_004958.4(MTOR):c.6216+12A>G

Gene: MTOR (mechanistic target of rapamycin kinase; minus strand). Cytogenetic location: 1p36.22.
Variant type: single nucleotide variant.
Coding change: c.6216+12A>G on transcript NM_004958.4 (MANE Select); 12 bases into the intron after coding-DNA position 6216, A replaced by G.
Molecular consequence: intron variant.
Genome position (GRCh38, 1-based): chr1:11,127,612, T>C on the plus strand (A>G on the coding strand, the complement: MTOR is on the minus strand). VCF-style: chr1-11127612-T-C. GRCh37 (hg19) VCF-style: chr1-11187669-T-C.
Other names: c.4968+12A>G (NM_001386501.1); c.6216+12A>G (NM_001386500.1).
Identifiers: ClinVar variation 2860502 (VCV002860502.3), dbSNP rs2522282112, ClinGen allele CA2739272272.